The following is an entry in ClinVar:

NM_002432.3(MNDA):c.76A>C (p.Lys26Gln)

Gene: MNDA (myeloid cell nuclear differentiation antigen; plus strand). Cytogenetic location: 1q23.1.
Variant type: single nucleotide variant.
Coding change: c.76A>C on transcript NM_002432.3 (MANE Select); coding-DNA position 76, A replaced by C.
Protein change: p.Lys26Gln; replaces lysine 26 with glutamine.
Molecular consequence: missense variant.
Genome position (GRCh38, 1-based): chr1:158,842,229, A>C. VCF-style: chr1-158842229-A-C. GRCh37 (hg19) VCF-style: chr1-158812019-A-C.
Other names: short protein forms K26Q.
Identifiers: ClinVar variation 3397280 (VCV003397280.1).

ClinVar aggregate classification (germline): Uncertain significance (1 of 4 stars; one submission).

Submission:

Ambry Genetics
Classification: Uncertain significance. Last evaluated: 2024-08-01. Review status: criteria provided, single submitter. Criteria: Ambry Variant Classification Scheme 2023. Collection method: clinical testing. Allele origin: germline.
Comment: The p.K26Q variant (also known as c.76A>C), located in coding exon 1 of the MNDA gene, results from an A to C substitution at nucleotide position 76. The lysine at codon 26 is replaced by glutamine, an amino acid with similar properties. This amino acid position is conserved. In addition, the in silico prediction for this alteration is inconclusive. Based on the available evidence, the clinical significance of this variant remains unclear.